The following is an entry in ClinVar:

NC_000023.10:g.(113050826_113097589)_(114931342_114941807)del

Genes: MIR448 (microRNA 448; plus strand), LRCH2 (leucine rich repeats and calponin homology domain containing 2; minus strand), LUZP4 (leucine zipper protein 4; plus strand), PLS3 (plastin 3; plus strand), RBMXL3 (RBMX like 3; plus strand) and 2 more. Cytogenetic location: Xq23.
Variant type: Deletion.
Identifiers: ClinVar variation 209215 (VCV000209215.2).

ClinVar aggregate classification (germline): Pathogenic (1 of 4 stars; one submission).

Conditions:
Bone mineral density quantitative trait locus 18 (BMND18). Also called: OSTEOPOROSIS AND OSTEOPOROTIC FRACTURES, SUSCEPTIBILITY TO; Bone mineral density QTL18, osteoporosis. Identifiers: Orphanet 391330, MedGen C3806712, OMIM 300910.

Submission:

Baylor Genetics
Classification: Pathogenic for Bone mineral density quantitative trait locus 18. Last evaluated: 2014-11-05. Review status: criteria provided, single submitter. Criteria: Yang et al. 2013. Collection method: clinical testing. Allele origin: maternal. Inheritance: X-linked inheritance. Affected: yes. Study: Adult_WES.

Literature cited by the submitters: PubMed 26633545.